The following is an entry in ClinVar:

ClinVar aggregate classification (germline): Uncertain significance (1 of 4 stars; one submission).

Conditions:
Intellectual developmental disorder, X-linked, syndromic, with pigmentary mosaicism and coarse facies. Identifiers: MedGen C5561930, MONDO:0859080, OMIM 301066.

Submission:

3billion
Classification: Uncertain significance for Intellectual developmental disorder, X-linked, syndromic, with pigmentary mosaicism and coarse facies. Last evaluated: 2022-01-03. Review status: criteria provided, single submitter. Criteria: ACMG Guidelines, 2015. Collection method: clinical testing. Allele origin: germline. Affected: yes. Observed: 1 heterozygote.
Comment: Inframe insertion located in a nonrepeat region: predicted to change the length of the protein and disrupt normal protein function (PM4_M). It is not observed in the gnomAD v2.1.1 dataset (PM2_M). Therefore, this variant is classified as uncertain significance according to the recommendation of ACMG/AMP guideline.

NM_006521.6(TFE3):c.583_597dup (p.Arg195_Val199dup)

Gene: TFE3 (transcription factor binding to IGHM enhancer 3; minus strand). Cytogenetic location: Xp11.23.
Variant type: Duplication.
Coding change: c.583_597dup on transcript NM_006521.6 (MANE Select); coding-DNA positions 583 to 597, 15 bases duplicated (CGCCGGCAGCAGGTG).
Protein change: p.Arg195_Val199dup.
Molecular consequence: inframe insertion.
Genome position (GRCh38, 1-based): chrX:49,038,380-49,038,394, CACCTGCTGCCGGCG duplicated on the plus strand (CGCCGGCAGCAGGTG on the coding strand, the reverse complement: TFE3 is on the minus strand); duplicating any 15 consecutive bases within chrX:49,038,380-49,038,395 gives the same sequence; the c. name uses the placement nearest the transcript's 3' end. VCF-style (leftmost placement, unchanged base first): chrX-49038379-T-TCACCTGCTGCCGGCG. GRCh37 (hg19) VCF-style: chrX-48895904-T-TCACCTGCTGCCGGCG.
Other names: c.268_282dup, p.Arg90_Val94dup (NM_001282142.2).
Identifiers: ClinVar variation 1333242 (VCV001333242.1), dbSNP rs2147776393, ClinGen allele CA2573055343.